The following is an entry in ClinVar:

ClinVar aggregate classification (germline): Likely benign (1 of 4 stars; one submission).

Allele frequency attached by ClinVar (database versions not stated): ExAC below 0.00001; gnomAD exomes 0.00001.
gnomAD v4.1: 3 of 1,513,856 alleles (0.0002%); highest among the groups gnomAD compares: South Asian, 0.0025%; no homozygotes.

Submission:

GeneDx
Classification: Likely benign. Last evaluated: 2018-03-12. Review status: criteria provided, single submitter. Criteria: GeneDx Variant Classification (06012015). Collection method: clinical testing. Allele origin: germline. Affected: yes.
Comment: This variant is considered likely benign or benign based on one or more of the following criteria: it is a conservative change, it occurs at a poorly conserved position in the protein, it is predicted to be benign by multiple in silico algorithms, and/or has population frequency not consistent with disease.

NM_001953.5(TYMP):c.929-16C>T

Genes: TYMP (thymidine phosphorylase; minus strand), LOC130067862 (ATAC-STARR-seq lymphoblastoid silent region 13986; plus strand). Cytogenetic location: 22q13.33.
Variant type: single nucleotide variant.
Coding change: c.929-16C>T on transcript NM_001953.5 (MANE Select); 16 bases into the intron before coding-DNA position 929, C replaced by T.
Molecular consequence: intron variant.
Genome position (GRCh38, 1-based): chr22:50,526,492, G>A on the plus strand (C>T on the coding strand, the complement: TYMP is on the minus strand). VCF-style: chr22-50526492-G-A. GRCh37 (hg19) VCF-style: chr22-50964921-G-A.
Other names: c.929-16C>T (LRG_727t2, LRG_727t1, NM_001257989.1 and 3 more transcripts).
Identifiers: ClinVar variation 515986 (VCV000515986.1), dbSNP rs751237117, ClinGen allele CA10321517.